The following is an entry in ClinVar:

ClinVar aggregate classification (germline): Uncertain significance. Review status: criteria provided, multiple submitters, no conflicts (2 of 4 stars). 2 submissions from 2 submitters: Uncertain significance (2). Last evaluated 2024-05-21.

Conditions:
Facioscapulohumeral muscular dystrophy 2 (FSHD2). Also called: FACIOSCAPULOHUMERAL MUSCULAR DYSTROPHY 2, DIGENIC; FSHD2, DIGENIC; MUSCULAR DYSTROPHY, FACIOSCAPULOHUMERAL, TYPE 1B. Identifiers: Orphanet 269, MedGen C1834671, MONDO:0008031, OMIM 158901.

Allele frequency attached by ClinVar (database versions not stated): gnomAD exomes below 0.00001; gnomAD 0.00001; TOPMed 0.00001.

Submissions (2):

Labcorp Genetics (formerly Invitae), Labcorp
Classification: Uncertain significance for Facioscapulohumeral muscular dystrophy 2. Last evaluated: 2024-05-21. Review status: criteria provided, single submitter. Criteria: Invitae Variant Classification Sherloc (09022015). Collection method: clinical testing. Allele origin: germline.
Comment: This sequence change replaces alanine, which is neutral and non-polar, with threonine, which is neutral and polar, at codon 1428 of the SMCHD1 protein (p.Ala1428Thr). This variant is not present in population databases (gnomAD no frequency). This variant has not been reported in the literature in individuals affected with SMCHD1-related conditions. ClinVar contains an entry for this variant (Variation ID: 1987725). An algorithm developed to predict the effect of missense changes on protein structure and function (PolyPhen-2) suggests that this variant is likely to be tolerated. Algorithms developed to predict the effect of sequence changes on RNA splicing suggest that this variant may disrupt the consensus splice site. In summary, the available evidence is currently insufficient to determine the role of this variant in disease. Therefore, it has been classified as a Variant of Uncertain Significance.

Revvity Omics, Revvity
Classification: Uncertain significance. Last evaluated: 2024-03-22. Review status: criteria provided, single submitter. Criteria: ACMG Guidelines, 2015. Collection method: clinical testing. Allele origin: germline.

NM_015295.3(SMCHD1):c.4282G>A (p.Ala1428Thr)

Gene: SMCHD1 (structural maintenance of chromosomes flexible hinge domain containing 1; plus strand). Cytogenetic location: 18p11.32.
Variant type: single nucleotide variant.
Coding change: c.4282G>A on transcript NM_015295.3 (MANE Select); coding-DNA position 4282, G replaced by A.
Protein change: p.Ala1428Thr; replaces alanine 1428 with threonine.
Molecular consequence: missense variant.
Genome position (GRCh38, 1-based): chr18:2,752,488, G>A. VCF-style: chr18-2752488-G-A. GRCh37 (hg19) VCF-style: chr18-2752486-G-A.
Other names: c.4282G>A (NM_015295.2); short protein forms A1428T.
Identifiers: ClinVar variation 1987725 (VCV001987725.5), dbSNP rs1177666227, ClinGen allele CA401693024.